The following is an entry in ClinVar:

NM_181303.2(NLGN3):c.673G>A (p.Ala225Thr)

Gene: NLGN3 (neuroligin 3; plus strand). Cytogenetic location: Xq13.1.
Variant type: single nucleotide variant.
Coding change: c.673G>A on transcript NM_181303.2 (MANE Select); coding-DNA position 673, G replaced by A.
Protein change: p.Ala225Thr; replaces alanine 225 with threonine.
Molecular consequence: missense variant.
Genome position (GRCh38, 1-based): chrX:71,155,309, G>A. VCF-style: chrX-71155309-G-A. GRCh37 (hg19) VCF-style: chrX-70375159-G-A.
Other names: c.553G>A, p.Ala185Thr (NM_001166660.2); c.262G>A, p.Ala88Thr (NM_001321276.2, NM_001438298.1); c.322G>A, p.Ala108Thr (NM_001437941.1, NM_001438296.1); c.613G>A, p.Ala205Thr (NM_018977.4); short protein forms A108T, A185T, A205T, A225T, A88T.
Identifiers: ClinVar variation 4526953 (VCV004526953.1).

ClinVar aggregate classification (germline): Uncertain significance (1 of 4 stars; one submission).

gnomAD v4.1: 5 of 1,212,109 alleles (0.00041%); highest among the groups gnomAD compares: Non-Finnish European, 0.00045%; no homozygotes.

Submission:

GeneDx
Classification: Uncertain significance. Last evaluated: 2025-04-30. Review status: criteria provided, single submitter. Criteria: GeneDx Variant Classification Process June 2021. Collection method: clinical testing. Allele origin: germline. Affected: yes.
Comment: In silico analysis supports that this missense variant has a deleterious effect on protein structure/function; This variant is associated with the following publications: (PMID: 33994118)